The following is an entry in ClinVar:

ClinVar aggregate classification (germline): Pathogenic (1 of 4 stars; one submission).

Conditions:
Developmental and epileptic encephalopathy, 42 (DEE42A). Also called: Epileptic encephalopathy, early infantile, 42; DEVELOPMENTAL AND EPILEPTIC ENCEPHALOPATHY 42A; EPILEPTIC ENCEPHALOPATHY, EARLY INFANTILE, 42A. Identifiers: MedGen C4310716, MONDO:0014917, OMIM 617106.
Episodic ataxia type 2 (EA2). Also called: CEREBELLAR ATAXIA, PAROXYSMAL, ACETAZOLAMIDE-RESPONSIVE; CEREBELLOPATHY, HEREDITARY PAROXYSMAL; EPISODIC ATAXIA, NYSTAGMUS-ASSOCIATED; ATAXIA, EPISODIC, WITH NYSTAGMUS; ATAXIA, FAMILIAL PAROXYSMAL; ACETAZOLAMIDE-RESPONSIVE HEREDITARY PAROXYSMAL CEREBELLAR ATAXIA. Identifiers: Orphanet 97, MedGen C1720416, MONDO:0007163, OMIM 108500.

Submission:

Labcorp Genetics (formerly Invitae), Labcorp
Classification: Pathogenic for Developmental and epileptic encephalopathy, 42; Episodic ataxia type 2. Last evaluated: 2018-10-15. Review status: criteria provided, single submitter. Criteria: Invitae Variant Classification Sherloc (09022015). Collection method: clinical testing. Allele origin: germline.
Comment: For these reasons, this variant has been classified as Pathogenic. Loss-of-function variants in CACNA1A are known to be pathogenic (PMID: 10371528, 19486177, 25735478, 27250579). This variant has not been reported in the literature in individuals with CACNA1A-related disease. This variant is not present in population databases (ExAC no frequency). This sequence change creates a premature translational stop signal (p.Tyr479*) in the CACNA1A gene. It is expected to result in an absent or disrupted protein product.

Literature cited by the submitters: PubMed 10371528; PubMed 19486177; PubMed 25735478; PubMed 27250579.

NM_001127222.2(CACNA1A):c.1434C>G (p.Tyr478Ter)

Gene: CACNA1A (calcium voltage-gated channel subunit alpha1 A; minus strand). Cytogenetic location: 19p13.13.
Variant type: single nucleotide variant.
Coding change: c.1434C>G on transcript NM_001127222.2 (MANE Select); coding-DNA position 1434, C replaced by G.
Protein change: p.Tyr478Ter; replaces tyrosine 478 with a stop codon.
Molecular consequence: nonsense.
Genome position (GRCh38, 1-based): chr19:13,317,233, G>C on the plus strand (C>G on the coding strand, the complement: CACNA1A is on the minus strand). VCF-style: chr19-13317233-G-C. GRCh37 (hg19) VCF-style: chr19-13428047-G-C.
Other names: c.1437C>G, p.Tyr479Ter (NM_000068.4, NM_001127221.2, NM_001174080.2 and 1 more transcripts); short protein forms Y478*, Y479*.
Identifiers: ClinVar variation 657621 (VCV000657621.7), dbSNP rs767432719, ClinGen allele CA404345815.